The following is an entry in ClinVar:

NM_004448.4(ERBB2):c.573C>T (p.Ala191=)

Gene: ERBB2 (erb-b2 receptor tyrosine kinase 2; plus strand). Cytogenetic location: 17q12.
Variant type: single nucleotide variant.
Coding change: c.573C>T on transcript NM_004448.4 (MANE Select); coding-DNA position 573, C replaced by T.
Protein change: p.Ala191=; no amino-acid change (alanine 191 retained).
Molecular consequence: synonymous variant. On other transcripts: non-coding transcript variant (1), intron variant (2).
Genome position (GRCh38, 1-based): chr17:39,709,451, C>T. VCF-style: chr17-39709451-C-T. GRCh37 (hg19) VCF-style: chr17-37865704-C-T.
Other names: c.483C>T, p.Ala161= (NM_001005862.3, NM_001289938.2, NM_001382782.1 and 1 more transcripts); c.528C>T, p.Ala176= (NM_001289936.2); c.573C>T, p.Ala191= (NM_001289937.2, NM_001382784.1, NM_001382785.1 and 17 more transcripts); c.648C>T, p.Ala216= (NM_001382787.1); c.564C>T, p.Ala188= (NM_001382791.1); c.440-407C>T (NM_001382799.1); c.74-2477C>T (NM_001382804.1).
Identifiers: ClinVar variation 3714105 (VCV003714105.2).

ClinVar aggregate classification (germline): Uncertain significance (1 of 4 stars; one submission).

Submission:

Labcorp Genetics (formerly Invitae), Labcorp
Classification: Uncertain significance. Last evaluated: 2024-08-15. Review status: criteria provided, single submitter. Criteria: Invitae Variant Classification Sherloc (09022015). Collection method: clinical testing. Allele origin: germline.
Comment: This sequence change affects codon 191 of the ERBB2 mRNA. It is a 'silent' change, meaning that it does not change the encoded amino acid sequence of the ERBB2 protein. It affects a nucleotide within the consensus splice site. This variant is not present in population databases (gnomAD no frequency). This variant has not been reported in the literature in individuals affected with ERBB2-related conditions. Algorithms developed to predict the effect of sequence changes on RNA splicing suggest that this variant is not likely to affect RNA splicing. In summary, the available evidence is currently insufficient to determine the role of this variant in disease. Therefore, it has been classified as a Variant of Uncertain Significance.